The following is an entry in ClinVar:

NM_000108.5(DLD):c.218dup (p.Asn73fs)

Gene: DLD (dihydrolipoamide dehydrogenase; plus strand). Cytogenetic location: 7q31.1.
Variant type: Duplication.
Coding change: c.218dup on transcript NM_000108.5 (MANE Select); coding-DNA position 218, one base duplicated (A; older notation c.218dupA).
Protein change: p.Asn73fs; shifts the reading frame from asparagine 73.
Molecular consequence: frameshift variant. On other transcripts: intron variant (2).
Genome position (GRCh38, 1-based): chr7:107,902,344, A duplicated; the last of 5 consecutive A bases (chr7:107,902,340-107,902,344); duplicating any one gives the same sequence. VCF-style (leftmost placement, unchanged base first): chr7-107902339-G-GA. GRCh37 (hg19) VCF-style: chr7-107542784-G-GA.
Other names: c.218dup, p.Asn73fs (NM_001289752.1); c.198+527dup (NM_001289751.1); c.-30-1134dup (NM_001289750.1); short protein forms N73fs.
Identifiers: ClinVar variation 5012690 (VCV005012690.1).

ClinVar aggregate classification (germline): Pathogenic (1 of 4 stars; one submission).

Conditions:
Pyruvate dehydrogenase E3 deficiency (DLDD). Also called: Dihydrolipoamide Dehydrogenase (E3) Deficiency; DLD DEFICIENCY; E3 DEFICIENCY; Dihydrolipoamide Dehydrogenase E3 Deficiency; MAPLE SYRUP URINE DISEASE, TYPE III; Lipoamide dehydrogenase deficiency, lactic acidosis due to. Identifiers: Orphanet 2394, Orphanet 765, MedGen C5574660, MONDO:0009529, OMIM 246900.

Submission:

Myriad Genetics, Inc.
Classification: Pathogenic for Pyruvate dehydrogenase E3 deficiency. Last evaluated: 2024-01-29. Review status: criteria provided, single submitter. Criteria: Myriad Autosomal Dominant, Autosomal Recessive and X-Linked Classification Criteria (2023). Collection method: clinical testing. Allele origin: unknown.
Comment: NM_000108.3(DLD):c.218dupA(N73Kfs*2) is expected to be pathogenic in the context of dihydrolipoamide dehydrogenase deficiency. This variant is predicted to lead to an abnormal or absent protein product due to the creation of a premature termination codon in DLD, a gene where loss-of-function variants are known to be pathogenic. Please note: this variant was assessed in the context of healthy population screening.